The following is an entry in ClinVar:

NM_001378457.1(DMXL2):c.6964+3G>A

Gene: DMXL2 (Dmx like 2; minus strand). Cytogenetic location: 15q21.2.
Variant type: single nucleotide variant.
Coding change: c.6964+3G>A on transcript NM_001378457.1 (MANE Select); 3 bases into the intron after coding-DNA position 6964, G replaced by A.
Molecular consequence: intron variant.
Genome position (GRCh38, 1-based): chr15:51,476,586, C>T on the plus strand (G>A on the coding strand, the complement: DMXL2 is on the minus strand). VCF-style: chr15-51476586-C-T. GRCh37 (hg19) VCF-style: chr15-51768783-C-T.
Other names: c.4942+3G>A (NM_001378460.1); c.5053+3G>A (NM_001174117.3); c.6961+3G>A (NM_015263.5, NM_001378458.1, NM_001378462.1); c.6964+3G>A (NM_001378459.1, NM_001174116.3, NM_001378463.1 and 1 more transcripts); c.6721+3G>A (NM_001378464.1).
Identifiers: ClinVar variation 1952764 (VCV001952764.2), dbSNP rs369430710, ClinGen allele CA7561506.

ClinVar aggregate classification (germline): Uncertain significance (1 of 4 stars; one submission).

Allele frequency attached by ClinVar (database versions not stated): gnomAD exomes 0.00001; ExAC 0.00002; gnomAD 0.00003; TOPMed 0.00006; ESP Exome Variant Server 0.00008.
gnomAD v4.1: 8 of 1,601,050 alleles (0.0005%); highest among the groups gnomAD compares: African/African-American, 0.011%; no homozygotes.

Submission:

Labcorp Genetics (formerly Invitae), Labcorp
Classification: Uncertain significance. Last evaluated: 2022-03-29. Review status: criteria provided, single submitter. Criteria: Invitae Variant Classification Sherloc (09022015). Collection method: clinical testing. Allele origin: germline.
Comment: This sequence change falls in intron 27 of the DMXL2 gene. It does not directly change the encoded amino acid sequence of the DMXL2 protein. It affects a nucleotide within the consensus splice site. This variant is present in population databases (rs369430710, gnomAD 0.01%). This variant has not been reported in the literature in individuals affected with DMXL2-related conditions. Variants that disrupt the consensus splice site are a relatively common cause of aberrant splicing (PMID: 17576681, 9536098). Algorithms developed to predict the effect of sequence changes on RNA splicing suggest that this variant is not likely to affect RNA splicing. In summary, the available evidence is currently insufficient to determine the role of this variant in disease. Therefore, it has been classified as a Variant of Uncertain Significance.

Literature cited by the submitters: PubMed 17576681; PubMed 9536098.